The following is an entry in ClinVar:

ClinVar aggregate classification (germline): Pathogenic (1 of 4 stars; one submission).

Conditions:
Osteogenesis imperfecta type I (OI1). Also called: OI, TYPE I; OSTEOGENESIS IMPERFECTA TARDA; OSTEOGENESIS IMPERFECTA WITH BLUE SCLERAE; Lobstein's Disease; Classic Non-deforming Osteogenesis Imperfecta with Blue Sclerae; Lobstein disease. Identifiers: Orphanet 216796, Orphanet 666, MedGen C0023931, MONDO:0008146, OMIM 166200. Disease mechanism: loss of function.

Submission:

Victorian Clinical Genetics Services, Murdoch Childrens Research Institute
Classification: Pathogenic for Osteogenesis imperfecta type I. Last evaluated: 2020-05-01. Review status: criteria provided, single submitter. Criteria: ACMG Guidelines, 2015. Collection method: clinical testing. Allele origin: germline. Inheritance: Autosomal dominant inheritance.
Comment: Based on the classification scheme VCGS_Germline_v1.1.1, this variant is classified as pathogenic. Following criteria are met: 0102 - Loss-of-function is a known mechanism of disease for this gene. (N) 0104 - Dominant Negative is a mechanism of disease for this gene. (N) 0107 - This gene is known to be associated with autosomal dominant disease. (N) 0201 - Variant is predicted to cause nonsense-mediated decay (NMD) and loss of protein (exon 3 of 51). (P) 0251 - Variant is heterozygous. (N) 0301 - Variant is absent from gnomAD. (P) 0701 - Comparable variants also predicted to cause NMD, have very strong previous evidence for pathogenicity. These variants are commonly reported in patients with Osteogenesis imperfecta, type I (Decipher, PMID: 31414283). (P) 0807 - Variant has not previously been reported in a clinical context. (N) 0905 - No segregation evidence has been identified for this variant. (N) 1007 - No published functional evidence has been identified for this variant. (N) 1208 - Inheritance information for this variant is not currently available. (N) Legend: (P) - Pathogenic, (N) - Neutral, (B) - Benign

Literature cited by the submitters: PubMed 31414283.

NM_000088.4(COL1A1):c.319_322dup (p.Thr108fs)

Gene: COL1A1 (collagen type I alpha 1 chain; minus strand). Cytogenetic location: 17q21.33.
Variant type: Duplication.
Coding change: c.319_322dup on transcript NM_000088.4 (MANE Select); coding-DNA positions 319 to 322, 4 bases duplicated (ACCA; older notation c.319_322dupACCA).
Protein change: p.Thr108fs; shifts the reading frame from threonine 108.
Molecular consequence: frameshift variant.
Genome position (GRCh38, 1-based): chr17:50,199,567-50,199,570, TGGT duplicated on the plus strand (ACCA on the coding strand, the reverse complement: COL1A1 is on the minus strand); duplicating any 4 consecutive bases within chr17:50,199,567-50,199,571 gives the same sequence; the c. name uses the placement nearest the transcript's 3' end. VCF-style (leftmost placement, unchanged base first): chr17-50199566-G-GTGGT. GRCh37 (hg19) VCF-style: chr17-48276927-G-GTGGT.
Other names: c.319_322dupACCA (NM_000088.3); short protein forms T108fs.
Identifiers: ClinVar variation 1805798 (VCV001805798.1), dbSNP rs2509256132, ClinGen allele CA923726086.